The following is an entry in ClinVar:

NM_006648.4(WNK2):c.5215A>T (p.Ser1739Cys)

Gene: WNK2 (WNK lysine deficient protein kinase 2; plus strand). Cytogenetic location: 9q22.31.
Variant type: single nucleotide variant.
Coding change: c.5215A>T on transcript NM_006648.4 (MANE Select); coding-DNA position 5215, A replaced by T.
Protein change: p.Ser1739Cys; replaces serine 1739 with cysteine.
Molecular consequence: missense variant.
Genome position (GRCh38, 1-based): chr9:93,292,680, A>T. VCF-style: chr9-93292680-A-T. GRCh37 (hg19) VCF-style: chr9-96054962-A-T.
Other names: c.5326A>T, p.Ser1776Cys (NM_001282394.3); short protein forms S1739C, S1776C.
Identifiers: ClinVar variation 4842147 (VCV004842147.1).

ClinVar aggregate classification (germline): Uncertain significance (1 of 4 stars; one submission).

gnomAD v4.1: 3 of 1,572,974 alleles (0.00019%); highest among the groups gnomAD compares: Non-Finnish European, 0.000086%; no homozygotes.

Submission:

Ambry Genetics
Classification: Uncertain significance. Last evaluated: 2026-01-14. Review status: criteria provided, single submitter. Criteria: Ambry Variant Classification Scheme 2023. Collection method: clinical testing. Allele origin: germline.
Comment: The p.S1739C variant (also known as c.5215A>T), located in coding exon 22 of the WNK2 gene, results from an A to T substitution at nucleotide position 5215. The serine at codon 1739 is replaced by cysteine, an amino acid with dissimilar properties. This amino acid position is conserved. In addition, this alteration is predicted to be tolerated by in silico analysis. Based on the available evidence, the clinical significance of this variant remains unclear.